The following is an entry in ClinVar:

NM_020937.4(FANCM):c.5199_5200del (p.Gln1733fs)

Gene: FANCM (FA complementation group M; plus strand). Cytogenetic location: 14q21.2.
Variant type: Deletion.
Coding change: c.5199_5200del on transcript NM_020937.4 (MANE Select); coding-DNA positions 5199 to 5200, 2 bases deleted (GA; older notation c.5199_5200delGA).
Protein change: p.Gln1733fs; shifts the reading frame from glutamine 1733.
Molecular consequence: frameshift variant.
Genome position (GRCh38, 1-based): chr14:45,189,221-45,189,222, GA deleted; deleting any 2 consecutive bases within chr14:45,189,220-45,189,222 gives the same sequence; the c. name uses the placement nearest the transcript's 3' end. VCF-style (leftmost placement, unchanged base first): chr14-45189219-CAG-C. GRCh37 (hg19) VCF-style: chr14-45658422-CAG-C.
Other names: c.5121_5122del, p.Gln1707fs (NM_001308133.2); short protein forms Q1733fs, Q1707fs.
Identifiers: ClinVar variation 2049773 (VCV002049773.4), dbSNP rs1889609465, ClinGen allele CA962633893.

ClinVar aggregate classification (germline): Pathogenic (1 of 4 stars; one submission).

Conditions:
Fanconi anemia (FA). Also called: Fanconi's anemia. Identifiers: Orphanet 84, MedGen C0015625, MeSH D005199, MONDO:0019391.

Submission:

Labcorp Genetics (formerly Invitae), Labcorp
Classification: Pathogenic for Fanconi anemia. Last evaluated: 2022-02-15. Review status: criteria provided, single submitter. Criteria: Invitae Variant Classification Sherloc (09022015). Collection method: clinical testing. Allele origin: germline.
Comment: This variant is not present in population databases (gnomAD no frequency). This sequence change creates a premature translational stop signal (p.Gln1733Hisfs*21) in the FANCM gene. It is expected to result in an absent or disrupted protein product. Loss-of-function variants in FANCM are known to be pathogenic (PMID: 29895858, 30075111). This variant has not been reported in the literature in individuals affected with FANCM-related conditions. For these reasons, this variant has been classified as Pathogenic.

Literature cited by the submitters: PubMed 29895858; PubMed 30075111.